The following is an entry in ClinVar:

ClinVar aggregate classification (germline): Benign (1 of 4 stars; one submission).

Conditions:
Intellectual developmental disorder, X-linked 93. Also called: MENTAL RETARDATION, X-LINKED, WITH MACROCEPHALY; Intellectual disability, X-linked 93. Identifiers: MedGen C1970841, MONDO:0010393, OMIM 300659.

Allele frequency attached by ClinVar (database versions not stated): gnomAD 0.02414 and 0.02546; 1000 Genomes Project 0.02887; TOPMed 0.02697; 1000 Genomes Project 30x 0.03267.

Submission:

Illumina Laboratory Services, Illumina
Classification: Benign for Intellectual developmental disorder, X-linked 93. Last evaluated: 2017-04-28. Review status: criteria provided, single submitter. Criteria: ICSL Variant Classification Criteria 13 December 2019. Collection method: clinical testing. Allele origin: germline.
Comment: This variant was observed as part of a predisposition screen in an ostensibly healthy population. A literature search was performed for the gene, cDNA change, and amino acid change (where applicable). No publications were found based on this search. Allele frequency data from public databases was too high to be consistent with this variant causing disease. Therefore, this variant is classified as benign.

NM_153252.5(BRWD3):c.*3787T>C

Gene: BRWD3 (bromodomain and WD repeat domain containing 3; minus strand). Cytogenetic location: Xq21.1.
Variant type: single nucleotide variant.
Coding change: c.*3787T>C on transcript NM_153252.5 (MANE Select); 3787 bases downstream of the stop codon, T replaced by C.
Molecular consequence: 3 prime UTR variant.
Genome position (GRCh38, 1-based): chrX:80,672,822, A>G on the plus strand (T>C on the coding strand, the complement: BRWD3 is on the minus strand). VCF-style: chrX-80672822-A-G. GRCh37 (hg19) VCF-style: chrX-79928321-A-G.
Identifiers: ClinVar variation 368701 (VCV000368701.5), dbSNP rs146779779, ClinGen allele CA10652055.